The following is an entry in ClinVar:

NM_016203.4(PRKAG2):c.1437+2dup

Gene: PRKAG2 (protein kinase AMP-activated non-catalytic subunit gamma 2; minus strand). Cytogenetic location: 7q36.1.
Variant type: Duplication.
Coding change: c.1437+2dup on transcript NM_016203.4 (MANE Select); the canonical splice donor site of the intron after coding-DNA position 1437, one base duplicated (T; older notation c.1437+2dupT).
Molecular consequence: splice donor variant.
Genome position (GRCh38, 1-based): chr7:151,565,344, A duplicated on the plus strand (T on the coding strand, the reverse complement: PRKAG2 is on the minus strand). VCF-style (leftmost placement, unchanged base first): chr7-151565343-T-TA. GRCh37 (hg19) VCF-style: chr7-151262429-T-TA.
Other names: c.1146+2dup (NM_001407031.1); c.1149+2dup (NM_001407030.1); c.1434+2dup (NM_001407023.1, NM_001407022.1); c.1437+2dup (NM_001407021.1); c.1119+2dup (NM_001407032.1); c.1302+2dup (NM_001407026.1, NM_001407027.1); c.1305+2dup (NM_001040633.2, NM_001407024.1); c.1113+2dup (NM_001407033.1); and 6 more.
Identifiers: ClinVar variation 3641841 (VCV003641841.2).

ClinVar aggregate classification (germline): Uncertain significance (1 of 4 stars; one submission).

Conditions:
Lethal congenital glycogen storage disease of heart. Also called: PHOSPHORYLASE KINASE DEFICIENCY OF HEART; GLYCOGEN STORAGE DISEASE OF HEART. Identifiers: Orphanet 439854, MedGen C1849813, MONDO:0009867, OMIM 261740.

Submission:

Labcorp Genetics (formerly Invitae), Labcorp
Classification: Uncertain significance for Lethal congenital glycogen storage disease of heart. Last evaluated: 2024-02-18. Review status: criteria provided, single submitter. Criteria: Invitae Variant Classification Sherloc (09022015). Collection method: clinical testing. Allele origin: germline.
Comment: This sequence change falls in intron 13 of the PRKAG2 gene. It does not directly change the encoded amino acid sequence of the PRKAG2 protein. It affects a nucleotide within the consensus splice site. This variant is not present in population databases (gnomAD no frequency). This variant has not been reported in the literature in individuals affected with PRKAG2-related conditions. Variants that disrupt the consensus splice site are a relatively common cause of aberrant splicing (PMID: 17576681, 9536098). Algorithms developed to predict the effect of sequence changes on RNA splicing suggest that this variant may disrupt the consensus splice site. In summary, the available evidence is currently insufficient to determine the role of this variant in disease. Therefore, it has been classified as a Variant of Uncertain Significance.

Literature cited by the submitters: PubMed 17576681; PubMed 9536098.